The following is an entry in ClinVar:

ClinVar aggregate classification (germline): Uncertain significance. Review status: criteria provided, multiple submitters, no conflicts (2 of 4 stars). 3 submissions from 3 submitters: Uncertain significance (3). Last evaluated 2025-06-29.

Conditions:
Inborn genetic diseases. Identifiers: MedGen C0950123, MeSH D030342.

Allele frequency attached by ClinVar (database versions not stated): ExAC 0.00002; TOPMed 0.00003; gnomAD exomes 0.00005; gnomAD 0.00007.
gnomAD v4.1: 80 of 1,607,226 alleles (0.005%); highest among the groups gnomAD compares: Admixed American, 0.017%; no homozygotes.

Submissions (3):

Ambry Genetics
Classification: Uncertain significance for Inborn genetic diseases. Last evaluated: 2025-06-29. Review status: criteria provided, single submitter. Criteria: Ambry Variant Classification Scheme 2023. Collection method: clinical testing. Allele origin: germline.

Blueprint Genetics
Classification: Uncertain significance. Last evaluated: 2024-06-18. Review status: criteria provided, single submitter. Criteria: ACMG Guidelines, 2015. Collection method: clinical testing. Allele origin: germline.

Labcorp Genetics (formerly Invitae), Labcorp
Classification: Uncertain significance. Last evaluated: 2023-11-27. Review status: criteria provided, single submitter. Criteria: Invitae Variant Classification Sherloc (09022015). Collection method: clinical testing. Allele origin: germline.
Comment: This sequence change replaces arginine, which is basic and polar, with glutamine, which is neutral and polar, at codon 204 of the CDHR1 protein (p.Arg204Gln). This variant is present in population databases (rs769702557, gnomAD 0.009%). This variant has not been reported in the literature in individuals affected with CDHR1-related conditions. ClinVar contains an entry for this variant (Variation ID: 2184456). Advanced modeling of protein sequence and biophysical properties (such as structural, functional, and spatial information, amino acid conservation, physicochemical variation, residue mobility, and thermodynamic stability) performed at Invitae indicates that this missense variant is not expected to disrupt CDHR1 protein function with a negative predictive value of 80%. In summary, the available evidence is currently insufficient to determine the role of this variant in disease. Therefore, it has been classified as a Variant of Uncertain Significance.

NM_033100.4(CDHR1):c.611G>A (p.Arg204Gln)

Gene: CDHR1 (cadherin related family member 1; plus strand). Cytogenetic location: 10q23.1.
Variant type: single nucleotide variant.
Coding change: c.611G>A on transcript NM_033100.4 (MANE Select); coding-DNA position 611, G replaced by A.
Protein change: p.Arg204Gln; replaces arginine 204 with glutamine.
Molecular consequence: missense variant.
Genome position (GRCh38, 1-based): chr10:84,201,892, G>A. VCF-style: chr10-84201892-G-A. GRCh37 (hg19) VCF-style: chr10-85961648-G-A.
Other names: c.611G>A (NM_033100.2); c.611G>A, p.Arg204Gln (NM_001171971.3); short protein forms R204Q.
Identifiers: ClinVar variation 2184456 (VCV002184456.5), dbSNP rs769702557, ClinGen allele CA5579604.
Genomic context (GRCh38, chr10:84,201,892, plus strand): 5'-ACCGCCACAGCGGTGTGCTGCGCCTCCAGGCTGGGGCCACTCTGGACTACGAGAGGTCCC[G>A]GACCCACTACATCACCGTGGTCGCCAAGGTAACACAGCAGGACAGGGGAGCATCCAGTGT-3'
Protein context (NP_149091.1, residues 194-214): AGATLDYERS[Arg204Gln]THYITVVAKD